The following is an entry in ClinVar:

NM_001199753.2(CPT1C):c.2261C>T (p.Ala754Val)

Gene: CPT1C (carnitine palmitoyltransferase 1C; plus strand). Cytogenetic location: 19q13.33.
Variant type: single nucleotide variant.
Coding change: c.2261C>T on transcript NM_001199753.2 (MANE Select); coding-DNA position 2261, C replaced by T.
Protein change: p.Ala754Val; replaces alanine 754 with valine.
Molecular consequence: missense variant. On other transcripts: non-coding transcript variant (1).
Genome position (GRCh38, 1-based): chr19:49,713,454, C>T. VCF-style: chr19-49713454-C-T. GRCh37 (hg19) VCF-style: chr19-50216711-C-T.
Other names: c.2228C>T, p.Ala743Val (NM_001136052.3, NM_001378485.1); c.2261C>T, p.Ala754Val (NM_001199752.3, NM_001378483.1, NM_001378484.1 and 1 more transcripts); c.2327C>T, p.Ala776Val (NM_001378482.1); c.2126C>T, p.Ala709Val (NM_001378486.1, NM_001378488.1); c.2093C>T, p.Ala698Val (NM_001378487.1); short protein forms A709V, A754V, A698V, A743V, A776V.
Identifiers: ClinVar variation 3711985 (VCV003711985.2).
Genomic context (GRCh38, chr19:49,713,454, plus strand): 5'-CTGGCTCTGACCTGTTCTCCTTCCAGGATTCCCACAGGCTGGGGCAGCACATTGAGGACG[C>T]ACTGCTGGATGTGGCCTCCCTGTTCCAGGCGGGACAGCATTTTAAGCGCCGGTTCAGAGG-3'
Protein context (NP_001186682.1, residues 744-764): SHRLGQHIED[Ala754Val]LLDVASLFQA

ClinVar aggregate classification (germline): Uncertain significance (1 of 4 stars; one submission).

Conditions:
Hereditary spastic paraplegia 73. Also called: Spastic paraplegia 73, autosomal dominant. Identifiers: Orphanet 444099, MedGen C5568981, MONDO:0014568, OMIM 616282.

gnomAD v4.1: 2 of 1,613,902 alleles (0.00012%); highest among the groups gnomAD compares: Admixed American, 0.0033%; no homozygotes.

Submission:

Labcorp Genetics (formerly Invitae), Labcorp
Classification: Uncertain significance for Hereditary spastic paraplegia 73. Last evaluated: 2024-10-04. Review status: criteria provided, single submitter. Criteria: Invitae Variant Classification Sherloc (09022015). Collection method: clinical testing. Allele origin: germline.
Comment: This sequence change replaces alanine, which is neutral and non-polar, with valine, which is neutral and non-polar, at codon 743 of the CPT1C protein (p.Ala743Val). This variant is present in population databases (rs776111761, gnomAD 0.003%). This variant has not been reported in the literature in individuals affected with CPT1C-related conditions. Invitae Evidence Modeling of protein sequence and biophysical properties (such as structural, functional, and spatial information, amino acid conservation, physicochemical variation, residue mobility, and thermodynamic stability) indicates that this missense variant is not expected to disrupt CPT1C protein function with a negative predictive value of 80%. In summary, the available evidence is currently insufficient to determine the role of this variant in disease. Therefore, it has been classified as a Variant of Uncertain Significance.